The following is an entry in ClinVar:

ClinVar aggregate classification (germline): Uncertain significance. Review status: reviewed by expert panel (3 of 4 stars). 2 submissions from 2 submitters: Uncertain significance (1). 1 of the submissions does not count toward it. Last evaluated 2024-11-13.

Conditions:
Hereditary thrombocytopenia and hematologic cancer predisposition syndrome. Identifiers: Orphanet 71290, MedGen CN281654, MONDO:0011071.
Hereditary thrombocytopenia and hematological cancer predisposition syndrome associated with RUNX1. Also called: PLATELET DISORDER, ASPIRIN-LIKE; RUNX1 Familial Platelet Disorder with Associated Myeloid Malignancies; Familial Platelet Disorder with Propensity to Acute Myelogenous Leukemia; Familial thrombocytopenia with propensity to acute myelogenous leukemia. Identifiers: Orphanet 71290, MedGen C1832388, MeSH C563324, MONDO:0100083, OMIM 601399.

Allele frequency attached by ClinVar (database versions not stated): gnomAD 0.00003; TOPMed 0.00003; gnomAD exomes 0.00004.
gnomAD v4.1: 7 of 233,468 alleles (0.003%); highest among the groups gnomAD compares: African/African-American, 0.0045%; no homozygotes.

Submissions (2):

ClinGen Myeloid Malignancy Variant Curation Expert Panel
Classification: Uncertain significance for Hereditary thrombocytopenia and hematologic cancer predisposition syndrome. Last evaluated: 2024-11-13. Review status: reviewed by expert panel. Criteria: ClinGen MyeloMalig ACMG Specifications v2. Collection method: curation. Allele origin: germline. Inheritance: Autosomal dominant inheritance.
Comment: NM_001754.5(RUNX1):c.*316G>T is a 3' UTR variant which does not meet any ACMG/AMP criteria. In summary, the clinical significance of this variant remains uncertain. ACMG/AMP criteria applied, as specified by the Myeloid Malignancy Variant Curation Expert Panel for RUNX1: None.

Illumina Laboratory Services, Illumina
Classification: Uncertain significance for Hereditary thrombocytopenia and hematological cancer predisposition syndrome associated with RUNX1. Last evaluated: 2018-01-12. Review status: criteria provided, single submitter. Criteria: ICSL Variant Classification Criteria 13 December 2019. Collection method: clinical testing. Allele origin: germline. Not counted in ClinVar's aggregate classification.

NM_001754.5(RUNX1):c.*316G>T

Gene: RUNX1 (RUNX family transcription factor 1; minus strand). Cytogenetic location: 21q22.12.
Variant type: single nucleotide variant.
Coding change: c.*316G>T on transcript NM_001754.5 (MANE Select); 316 bases downstream of the stop codon, G replaced by T.
Molecular consequence: 3 prime UTR variant.
Genome position (GRCh38, 1-based): chr21:34,791,819, C>A on the plus strand (G>T on the coding strand, the complement: RUNX1 is on the minus strand). VCF-style: chr21-34791819-C-A. GRCh37 (hg19) VCF-style: chr21-36164116-C-A.
Other names: c.*316G>T (NM_001001890.3).
Identifiers: ClinVar variation 897697 (VCV000897697.5), dbSNP rs899596480, ClinGen allele CA320250819.